The following is an entry in ClinVar:

ClinVar aggregate classification (germline): Benign. Review status: criteria provided, multiple submitters, no conflicts (2 of 4 stars). 2 submissions from 2 submitters: Benign (2). Last evaluated 2018-06-16.

Allele frequency attached by ClinVar (database versions not stated): gnomAD 0.08773 and 0.08288; gnomAD exomes 0.10415; 1000 Genomes Project 0.10623; TOPMed 0.08309; 1000 Genomes Project 30x 0.10259.
gnomAD v4.1: 14,805 of 166,526 alleles (8.9%); highest among the groups gnomAD compares: South Asian, 19%; 792 homozygotes.

Submissions (2):

GeneDx
Classification: Benign. Last evaluated: 2018-06-16. Review status: criteria provided, single submitter. Criteria: GeneDx Variant Classification (06012015). Collection method: clinical testing. Allele origin: germline. Affected: yes.
Comment: This variant is considered likely benign or benign based on one or more of the following criteria: it is a conservative change, it occurs at a poorly conserved position in the protein, it is predicted to be benign by multiple in silico algorithms, and/or has population frequency not consistent with disease.

Breakthrough Genomics
Classification: Benign. Review status: criteria provided, single submitter. Criteria: ACMG Guidelines, 2015. Collection method: not provided. Allele origin: germline. Inheritance: Unknown mechanism. Affected: yes.

NM_152415.2(VPS37A):c.-566G>A

Genes: CNOT7 (CCR4-NOT transcription complex subunit 7; minus strand), VPS37A (VPS37A subunit of ESCRT-I; plus strand). Cytogenetic location: 8p22.
Variant type: single nucleotide variant.
Coding change: c.-566G>A on transcript NM_152415.2; 566 bases upstream of the start codon, G replaced by A.
Molecular consequence: 5 prime UTR variant (on NM_013354.7).
Genome position (GRCh38, 1-based): chr8:17,246,679, G>A. VCF-style: chr8-17246679-G-A. GRCh37 (hg19) VCF-style: chr8-17104188-G-A.
Other names: c.-175C>T (NM_001322087.2, NM_001322090.2); c.-100C>T (NM_001322093.2, NM_001322094.2, NM_013354.7 and 1 more transcripts); c.-447C>T (NM_001322095.2, NM_001322098.2); c.-524C>T (NM_001322096.2, NM_001322099.2).
Identifiers: ClinVar variation 671125 (VCV000671125.4), dbSNP rs117960717, ClinGen allele CA172948456.